The following is an entry in ClinVar:

NM_017791.3(FLVCR2):c.*991T>C

Gene: FLVCR2 (FLVCR choline and putative heme transporter 2; plus strand). Cytogenetic location: 14q24.3.
Variant type: single nucleotide variant.
Coding change: c.*991T>C on transcript NM_017791.3 (MANE Select); 991 bases downstream of the stop codon, T replaced by C.
Molecular consequence: 3 prime UTR variant.
Genome position (GRCh38, 1-based): chr14:75,647,463, T>C. VCF-style: chr14-75647463-T-C. GRCh37 (hg19) VCF-style: chr14-76113806-T-C.
Other names: c.*991T>C (NM_001195283.2).
Identifiers: ClinVar variation 887442 (VCV000887442.5), dbSNP rs117346030, ClinGen allele CA263683678.

ClinVar aggregate classification (germline): Benign. Review status: criteria provided, multiple submitters, no conflicts (2 of 4 stars). 2 submissions from 2 submitters: Benign (2). Last evaluated 2018-01-12.

Conditions:
Posterior column ataxia-retinitis pigmentosa syndrome (RETSNS). Also called: RETINOPATHY-SENSORY NEUROPATHY SYNDROME. Identifiers: Orphanet 88628, MedGen C1836916, MONDO:0012177, OMIM 609033.

Allele frequency attached by ClinVar (database versions not stated): 1000 Genomes Project 30x 0.01077; 1000 Genomes Project 0.01078; TOPMed 0.01497; gnomAD 0.01931 and 0.01965; gnomAD exomes 0.03416.
gnomAD v4.1: 3,004 of 152,530 alleles (2%); highest among the groups gnomAD compares: South Asian, 4%; 50 homozygotes.

Submissions (2):

Illumina Laboratory Services, Illumina
Classification: Benign for Posterior column ataxia-retinitis pigmentosa syndrome. Last evaluated: 2018-01-12. Review status: criteria provided, single submitter. Criteria: ICSL Variant Classification Criteria 13 December 2019. Collection method: clinical testing. Allele origin: germline.
Comment: This variant was observed in the ICSL laboratory as part of a predisposition screen in an ostensibly healthy population. It had not been previously curated by ICSL or reported in the Human Gene Mutation Database (HGMD: prior to June 1st, 2018), and was therefore a candidate for classification through an automated scoring system. Utilizing variant allele frequency, disease prevalence and penetrance estimates, and inheritance mode, an automated score was calculated to assess if this variant is too frequent to cause the disease. Based on the score and internal cut-off values, a variant classified as benign is not then subjected to further curation. The score for this variant resulted in a classification of benign for this disease.

Breakthrough Genomics
Classification: Benign. Review status: criteria provided, single submitter. Criteria: ACMG Guidelines, 2015. Collection method: not provided. Allele origin: germline. Inheritance: Autosomal recessive inheritance. Affected: yes.